The following is an entry in ClinVar:

NM_174916.3(UBR1):c.3848C>T (p.Ser1283Leu)

Gene: UBR1 (ubiquitin protein ligase E3 component n-recognin 1; minus strand). Cytogenetic location: 15q15.2.
Variant type: single nucleotide variant.
Coding change: c.3848C>T on transcript NM_174916.3 (MANE Select); coding-DNA position 3848, C replaced by T.
Protein change: p.Ser1283Leu; replaces serine 1283 with leucine.
Molecular consequence: missense variant.
Genome position (GRCh38, 1-based): chr15:42,990,030, G>A on the plus strand (C>T on the coding strand, the complement: UBR1 is on the minus strand). VCF-style: chr15-42990030-G-A. GRCh37 (hg19) VCF-style: chr15-43282228-G-A.
Other names: short protein forms S1283L.
Identifiers: ClinVar variation 2645263 (VCV002645263.25), dbSNP rs561720791, ClinGen allele CA7518076.

ClinVar aggregate classification (germline): Uncertain significance. Review status: criteria provided, multiple submitters, no conflicts (2 of 4 stars). 2 submissions from 2 submitters: Uncertain significance (2). Last evaluated 2023-09-01.

Conditions:
Johanson-Blizzard syndrome (JBS). Also called: Nasal alar hypoplasia, hypothyroidism, pancreatic achylia and congenital deafness. Identifiers: Orphanet 2315, MedGen C0175692, MONDO:0009479, OMIM 243800.

Allele frequency attached by ClinVar (database versions not stated): TOPMed below 0.00001; gnomAD 0.00001; gnomAD exomes 0.00002; ExAC 0.00003; 1000 Genomes Project 30x 0.00016; 1000 Genomes Project 0.00020.
gnomAD v4.1: 25 of 1,605,316 alleles (0.0016%); highest among the groups gnomAD compares: South Asian, 0.0089%; no homozygotes.

Submissions (2):

CeGaT Center for Human Genetics Tuebingen
Classification: Uncertain significance. Last evaluated: 2023-09-01. Review status: criteria provided, single submitter. Criteria: CeGaT Center For Human Genetics Tuebingen Variant Classification Criteria Version 2. Collection method: clinical testing. Allele origin: germline. Affected: yes. Observed: 1 variant allele.
Comment: UBR1: PM2, BP4

Department of Pathology and Laboratory Medicine, Sinai Health System
Classification: Uncertain significance for Johanson-Blizzard syndrome. Last evaluated: 2021-11-17. Review status: criteria provided, single submitter. Criteria: ACMG Guidelines, 2015. Collection method: research. Allele origin: germline.